The following is an entry in ClinVar:

NM_020821.3(VPS13C):c.7160T>C (p.Met2387Thr)

Gene: VPS13C (vacuolar protein sorting 13 homolog C; minus strand). Cytogenetic location: 15q22.2.
Variant type: single nucleotide variant.
Coding change: c.7160T>C on transcript NM_020821.3 (MANE Select); coding-DNA position 7160, T replaced by C.
Protein change: p.Met2387Thr; replaces methionine 2387 with threonine.
Molecular consequence: missense variant.
Genome position (GRCh38, 1-based): chr15:61,920,550, A>G on the plus strand (T>C on the coding strand, the complement: VPS13C is on the minus strand). VCF-style: chr15-61920550-A-G. GRCh37 (hg19) VCF-style: chr15-62212749-A-G.
Other names: c.7160T>C, p.Met2387Thr (NM_001018088.3); c.7031T>C, p.Met2344Thr (NM_017684.5, NM_018080.4); short protein forms M2387T, M2344T.
Identifiers: ClinVar variation 2083838 (VCV002083838.5), dbSNP rs767080349, ClinGen allele CA7595343.

ClinVar aggregate classification (germline): Uncertain significance. Review status: criteria provided, multiple submitters, no conflicts (2 of 4 stars). 2 submissions from 2 submitters: Uncertain significance (2). Last evaluated 2023-04-15.

Conditions:
Inborn genetic diseases. Identifiers: MedGen C0950123, MeSH D030342.

Allele frequency attached by ClinVar (database versions not stated): gnomAD exomes 0.00001; ExAC 0.00003; TOPMed 0.00003.
gnomAD v4.1: 22 of 1,577,888 alleles (0.0014%); highest among the groups gnomAD compares: Admixed American, 0.012%; no homozygotes.

Submissions (2):

Labcorp Genetics (formerly Invitae), Labcorp
Classification: Uncertain significance. Last evaluated: 2023-04-15. Review status: criteria provided, single submitter. Criteria: Invitae Variant Classification Sherloc (09022015). Collection method: clinical testing. Allele origin: germline.
Comment: This sequence change replaces methionine, which is neutral and non-polar, with threonine, which is neutral and polar, at codon 2387 of the VPS13C protein (p.Met2387Thr). This variant is present in population databases (rs767080349, gnomAD 0.02%). This variant has not been reported in the literature in individuals affected with VPS13C-related conditions. Advanced modeling of protein sequence and biophysical properties (such as structural, functional, and spatial information, amino acid conservation, physicochemical variation, residue mobility, and thermodynamic stability) performed at Invitae indicates that this missense variant is expected to disrupt VPS13C protein function. In summary, the available evidence is currently insufficient to determine the role of this variant in disease. Therefore, it has been classified as a Variant of Uncertain Significance. ClinVar contains an entry for this variant (Variation ID: 2083838).

Ambry Genetics
Classification: Uncertain significance for Inborn genetic diseases. Last evaluated: 2021-07-20. Review status: criteria provided, single submitter. Criteria: Ambry Variant Classification Scheme 2023. Collection method: clinical testing. Allele origin: germline.